The following is an entry in ClinVar:

NM_002336.3(LRP6):c.1846A>G (p.Ile616Val)

Gene: LRP6 (LDL receptor related protein 6; minus strand). Cytogenetic location: 12p13.2.
Variant type: single nucleotide variant.
Coding change: c.1846A>G on transcript NM_002336.3 (MANE Select); coding-DNA position 1846, A replaced by G.
Protein change: p.Ile616Val; replaces isoleucine 616 with valine.
Molecular consequence: missense variant. On other transcripts: non-coding transcript variant (1), intron variant (1).
Genome position (GRCh38, 1-based): chr12:12,164,479, T>C on the plus strand (A>G on the coding strand, the complement: LRP6 is on the minus strand). VCF-style: chr12-12164479-T-C. GRCh37 (hg19) VCF-style: chr12-12317413-T-C.
Other names: c.1846A>G, p.Ile616Val (NM_001414244.1, NM_001414245.1, NM_001414246.1 and 4 more transcripts); c.1648A>G, p.Ile550Val (NM_001414247.1); c.1393A>G, p.Ile465Val (NM_001414252.1, NM_001414253.1, NM_001414254.1); c.1546-2060A>G (NM_001414255.1); c.1846A>G (NM_002336.2); short protein forms I550V, I465V, I616V.
Identifiers: ClinVar variation 2894178 (VCV002894178.4), dbSNP rs201504354, ClinGen allele CA6455571.

ClinVar aggregate classification (germline): Uncertain significance. Review status: criteria provided, multiple submitters, no conflicts (2 of 4 stars). 2 submissions from 2 submitters: Uncertain significance (2). Last evaluated 2025-12-02.

Conditions:
Inborn genetic diseases. Identifiers: MedGen C0950123, MeSH D030342.

Allele frequency attached by ClinVar (database versions not stated): ExAC 0.00003; TOPMed 0.00008; gnomAD 0.00007; ESP Exome Variant Server 0.00008.
gnomAD v4.1: 42 of 1,613,998 alleles (0.0026%); highest among the groups gnomAD compares: African/African-American, 0.013%; no homozygotes.

Submissions (2):

Ambry Genetics
Classification: Uncertain significance for Inborn genetic diseases. Last evaluated: 2025-12-02. Review status: criteria provided, single submitter. Criteria: Ambry Variant Classification Scheme 2023. Collection method: clinical testing. Allele origin: germline.

Labcorp Genetics (formerly Invitae), Labcorp
Classification: Uncertain significance. Last evaluated: 2025-12-01. Review status: criteria provided, single submitter. Criteria: Invitae Variant Classification Sherloc (09022015). Collection method: clinical testing. Allele origin: germline.
Comment: This sequence change replaces isoleucine, which is neutral and non-polar, with valine, which is neutral and non-polar, at codon 616 of the LRP6 protein (p.Ile616Val). This variant is present in population databases (rs201504354, gnomAD 0.02%). This variant has not been reported in the literature in individuals affected with LRP6-related conditions. ClinVar contains an entry for this variant (Variation ID: 2894178). Invitae Evidence Modeling of protein sequence and biophysical properties (such as structural, functional, and spatial information, amino acid conservation, physicochemical variation, residue mobility, and thermodynamic stability) indicates that this missense variant is not expected to disrupt LRP6 protein function with a negative predictive value of 80%. In summary, the available evidence is currently insufficient to determine the role of this variant in disease. Therefore, it has been classified as a Variant of Uncertain Significance.